The following is an entry in ClinVar:

ClinVar aggregate classification (germline): Pathogenic (1 of 4 stars; one submission).

Submission:

Labcorp Genetics (formerly Invitae), Labcorp
Classification: Pathogenic. Last evaluated: 2023-10-17. Review status: criteria provided, single submitter. Criteria: Invitae Variant Classification Sherloc (09022015). Collection method: clinical testing. Allele origin: germline.
Comment: This sequence change creates a premature translational stop signal (p.Leu16Serfs*87) in the SYNE4 gene. It is expected to result in an absent or disrupted protein product. Loss-of-function variants in SYNE4 are known to be pathogenic (PMID: 23348741, 28958982). The frequency data for this variant in the population databases is considered unreliable, as metrics indicate poor data quality at this position in the gnomAD database. This variant has not been reported in the literature in individuals affected with SYNE4-related conditions. For these reasons, this variant has been classified as Pathogenic.

Literature cited by the submitters: PubMed 23348741; PubMed 28958982.

NM_001039876.3(SYNE4):c.46del (p.Leu16fs)

Gene: SYNE4 (spectrin repeat containing nuclear envelope family member 4; minus strand). Cytogenetic location: 19q13.12.
Variant type: Deletion.
Coding change: c.46del on transcript NM_001039876.3 (MANE Select); coding-DNA position 46, one base deleted (C; older notation c.46delC).
Protein change: p.Leu16fs; shifts the reading frame from leucine 16.
Molecular consequence: frameshift variant.
Genome position (GRCh38, 1-based): chr19:36,008,636, G deleted on the plus strand (C on the coding strand, the reverse complement: SYNE4 is on the minus strand); the first of 4 consecutive G bases (chr19:36,008,636-36,008,639); deleting any one gives the same sequence. VCF-style (leftmost placement, unchanged base first): chr19-36008635-AG-A. GRCh37 (hg19) VCF-style: chr19-36499537-AG-A.
Other names: c.46del, p.Leu16fs (NM_001297735.3); short protein forms L16fs.
Identifiers: ClinVar variation 2878825 (VCV002878825.3), dbSNP rs764476302, ClinGen allele CA9394066.